The following is an entry in ClinVar:

NM_001131016.2(CIZ1):c.1712G>A (p.Arg571His)

Gene: CIZ1 (CDKN1A interacting zinc finger protein 1; minus strand). Cytogenetic location: 9q34.11.
Variant type: single nucleotide variant.
Coding change: c.1712G>A on transcript NM_001131016.2 (MANE Select); coding-DNA position 1712, G replaced by A.
Protein change: p.Arg571His; replaces arginine 571 with histidine.
Molecular consequence: missense variant.
Genome position (GRCh38, 1-based): chr9:128,177,672, C>T on the plus strand (G>A on the coding strand, the complement: CIZ1 is on the minus strand). VCF-style: chr9-128177672-C-T. GRCh37 (hg19) VCF-style: chr9-130939951-C-T.
Other names: c.1712G>A (NM_012127.2); c.1544G>A, p.Arg515His (NM_001131015.2); c.1529G>A, p.Arg510His (NM_001131017.2); c.1472G>A, p.Arg491His (NM_001131018.2); c.1802G>A, p.Arg601His (NM_001257975.2); c.1409G>A, p.Arg470His (NM_001257976.2); c.1712G>A, p.Arg571His (NM_012127.3); short protein forms R491H, R601H, R470H, R515H, R510H, R571H.
Identifiers: ClinVar variation 2717203 (VCV002717203.4), dbSNP rs370598569, ClinGen allele CA5257247.

ClinVar aggregate classification (germline): Uncertain significance. Review status: criteria provided, multiple submitters, no conflicts (2 of 4 stars). 2 submissions from 2 submitters: Uncertain significance (2). Last evaluated 2025-03-26.

Conditions:
Dystonic disorder. Also called: Dystonia. Identifiers: MedGen C0013421, MONDO:0003441, HP:0001332.

Allele frequency attached by ClinVar (database versions not stated): gnomAD 0.00002; TOPMed 0.00004; ExAC 0.00006; ESP Exome Variant Server 0.00015.
gnomAD v4.1: 41 of 1,600,858 alleles (0.0026%); highest among the groups gnomAD compares: Admixed American, 0.01%; no homozygotes.

Submissions (2):

Ambry Genetics
Classification: Uncertain significance. Last evaluated: 2025-03-26. Review status: criteria provided, single submitter. Criteria: Ambry Variant Classification Scheme 2023. Collection method: clinical testing. Allele origin: germline.

Labcorp Genetics (formerly Invitae), Labcorp
Classification: Uncertain significance for Dystonic disorder. Last evaluated: 2025-02-10. Review status: criteria provided, single submitter. Criteria: Invitae Variant Classification Sherloc (09022015). Collection method: clinical testing. Allele origin: germline.
Comment: This sequence change replaces arginine, which is basic and polar, with histidine, which is basic and polar, at codon 571 of the CIZ1 protein (p.Arg571His). The frequency data for this variant in the population databases is considered unreliable, as metrics indicate poor data quality at this position in the gnomAD database. This variant has not been reported in the literature in individuals affected with CIZ1-related conditions. ClinVar contains an entry for this variant (Variation ID: 2717203). An algorithm developed to predict the effect of missense changes on protein structure and function (PolyPhen-2) suggests that this variant is likely to be disruptive. In summary, the available evidence is currently insufficient to determine the role of this variant in disease. Therefore, it has been classified as a Variant of Uncertain Significance.